The following is an entry in ClinVar:

ClinVar aggregate classification (germline): Conflicting classifications of pathogenicity. Review status: criteria provided, conflicting classifications (1 of 4 stars). 3 submissions from 3 submitters: Uncertain significance (2); Likely benign (1). Last evaluated 2025-08-06.

Conditions:
Inborn genetic diseases. Identifiers: MedGen C0950123, MeSH D030342.

Allele frequency attached by ClinVar (database versions not stated): ExAC below 0.00001; 1000 Genomes Project 0.00040; gnomAD exomes 0.00047 and 0.00102; gnomAD 0.00056 and 0.00057; TOPMed 0.00059; 1000 Genomes Project 30x 0.00062.
gnomAD v4.1: 1,295 of 1,340,602 alleles (0.097%); highest among the groups gnomAD compares: Non-Finnish European, 0.12%; no homozygotes.

Submissions (3):

Ambry Genetics
Classification: Uncertain significance for Inborn genetic diseases. Last evaluated: 2025-08-06. Review status: criteria provided, single submitter. Criteria: Ambry Variant Classification Scheme 2023. Collection method: clinical testing. Allele origin: germline.

Blueprint Genetics
Classification: Likely benign. Last evaluated: 2024-11-08. Review status: criteria provided, single submitter. Criteria: ACMG Guidelines, 2015. Collection method: clinical testing. Allele origin: germline.

Labcorp Genetics (formerly Invitae), Labcorp
Classification: Uncertain significance. Last evaluated: 2022-10-13. Review status: criteria provided, single submitter. Criteria: Invitae Variant Classification Sherloc (09022015). Collection method: clinical testing. Allele origin: germline.
Comment: This sequence change replaces serine, which is neutral and polar, with cysteine, which is neutral and slightly polar, at codon 41 of the HMX1 protein (p.Ser41Cys). This variant is present in population databases (rs142087432, gnomAD 0.09%). This variant has not been reported in the literature in individuals affected with HMX1-related conditions. ClinVar contains an entry for this variant (Variation ID: 845623). Advanced modeling of protein sequence and biophysical properties (such as structural, functional, and spatial information, amino acid conservation, physicochemical variation, residue mobility, and thermodynamic stability) performed at Invitae indicates that this missense variant is not expected to disrupt HMX1 protein function. In summary, the available evidence is currently insufficient to determine the role of this variant in disease. Therefore, it has been classified as a Variant of Uncertain Significance.

NM_018942.3(HMX1):c.121A>T (p.Ser41Cys)

Gene: HMX1 (H6 family homeobox 1; minus strand). Cytogenetic location: 4p16.1.
Variant type: single nucleotide variant.
Coding change: c.121A>T on transcript NM_018942.3 (MANE Select); coding-DNA position 121, A replaced by T.
Protein change: p.Ser41Cys; replaces serine 41 with cysteine.
Molecular consequence: missense variant.
Genome position (GRCh38, 1-based): chr4:8,871,494, T>A on the plus strand (A>T on the coding strand, the complement: HMX1 is on the minus strand). VCF-style: chr4-8871494-T-A. GRCh37 (hg19) VCF-style: chr4-8873220-T-A.
Other names: c.121A>T, p.Ser41Cys (NM_001306142.2); short protein forms S41C.
Identifiers: ClinVar variation 845623 (VCV000845623.8), dbSNP rs142087432, ClinGen allele CA2854323.